The following is an entry in ClinVar:

NM_003611.3(OFD1):c.373A>C (p.Lys125Gln)

Gene: OFD1 (OFD1 centriole and centriolar satellite protein; plus strand). Cytogenetic location: Xp22.2.
Variant type: single nucleotide variant.
Coding change: c.373A>C on transcript NM_003611.3 (MANE Select); coding-DNA position 373, A replaced by C.
Protein change: p.Lys125Gln; replaces lysine 125 with glutamine.
Molecular consequence: missense variant. On other transcripts: 5 prime UTR variant (1).
Genome position (GRCh38, 1-based): chrX:13,738,906, A>C. VCF-style: chrX-13738906-A-C. GRCh37 (hg19) VCF-style: chrX-13757025-A-C.
Other names: c.373A>C, p.Lys125Gln (NM_001330209.2); c.-173A>C (NM_001330210.2); short protein forms K125Q.
Identifiers: ClinVar variation 1393650 (VCV001393650.6), dbSNP rs2146928358, ClinGen allele CA412333850.

ClinVar aggregate classification (germline): Uncertain significance (1 of 4 stars; one submission).

Conditions:
Joubert syndrome. Also called: CEREBELLOPARENCHYMAL DISORDER IV; JOUBERT-BOLTSHAUSER SYNDROME; Familial aplasia of the vermis. Identifiers: Orphanet 475, MedGen C5979921, MONDO:0018772.
Orofaciodigital syndrome I (OFD1). Also called: OFDS I; Papillon-Leage and Psaume Syndrome; Oral-Facial-Digital Syndrome Type I. Identifiers: Orphanet 2750, MedGen C1510460, MONDO:0010702, OMIM 311200.

Submission:

Labcorp Genetics (formerly Invitae), Labcorp
Classification: Uncertain significance for Orofaciodigital syndrome I; Joubert syndrome. Last evaluated: 2024-02-24. Review status: criteria provided, single submitter. Criteria: Invitae Variant Classification Sherloc (09022015). Collection method: clinical testing. Allele origin: germline.
Comment: This sequence change replaces lysine, which is basic and polar, with glutamine, which is neutral and polar, at codon 125 of the OFD1 protein (p.Lys125Gln). This variant is not present in population databases (gnomAD no frequency). This variant has not been reported in the literature in individuals affected with OFD1-related conditions. ClinVar contains an entry for this variant (Variation ID: 1393650). Advanced modeling of protein sequence and biophysical properties (such as structural, functional, and spatial information, amino acid conservation, physicochemical variation, residue mobility, and thermodynamic stability) performed at Invitae indicates that this missense variant is not expected to disrupt OFD1 protein function with a negative predictive value of 80%. In summary, the available evidence is currently insufficient to determine the role of this variant in disease. Therefore, it has been classified as a Variant of Uncertain Significance.